The following is an entry in ClinVar:

NM_000051.4(ATM):c.8594T>C (p.Ile2865Thr)

Genes: ATM (ATM serine/threonine kinase; plus strand), C11orf65 (chromosome 11 open reading frame 65; minus strand). Cytogenetic location: 11q22.3.
Variant type: single nucleotide variant.
Coding change: c.8594T>C on transcript NM_000051.4 (MANE Select); coding-DNA position 8594, T replaced by C.
Protein change: p.Ile2865Thr; replaces isoleucine 2865 with threonine.
Molecular consequence: missense variant. On other transcripts: intron variant (2).
Genome position (GRCh38, 1-based): chr11:108,347,288, T>C. VCF-style: chr11-108347288-T-C. GRCh37 (hg19) VCF-style: chr11-108218015-T-C.
Other names: p.I2865T:ATA>ACA; c.8594T>C, p.Ile2865Thr (NM_001351834.2); c.641-38217A>G (NM_001330368.2); c.695-11996A>G (NM_001351110.2); short protein forms I2865T.
Identifiers: ClinVar variation 127461 (VCV000127461.21), dbSNP rs587779873, ClinGen allele CA287024.

ClinVar aggregate classification (germline): Uncertain significance. Review status: criteria provided, multiple submitters, no conflicts (2 of 4 stars). 5 submissions from 5 submitters: Uncertain significance (5). Last evaluated 2025-11-26.

Conditions:
Hereditary cancer-predisposing syndrome. Also called: Neoplastic Syndromes, Hereditary; Hereditary Cancer Syndrome; Tumor predisposition; Hereditary neoplastic syndrome. Identifiers: Orphanet 140162, MedGen C0027672, MeSH D009386, MONDO:0015356.
Ataxia-telangiectasia syndrome (AT). Also called: Ataxia-telangiectasia, complementation group D; AT, COMPLEMENTATION GROUP C; Ataxia-telangiectasia; ATAXIA-TELANGIECTASIA, COMPLEMENTATION GROUP A; ATAXIA-TELANGIECTASIA, FRESNO VARIANT; Ataxia-telangiectasia, complementation group E. Identifiers: Orphanet 100, MedGen C0004135, MONDO:0008840, OMIM 208900.
Familial cancer of breast. Also called: BREAST CANCER, FAMILIAL; hereditary breast carcinoma; Hereditary breast cancer. Identifiers: Orphanet 227535, MedGen C0346153, MONDO:0016419, OMIM 114480. Disease mechanism: loss of function.

Allele frequency attached by ClinVar (database versions not stated): gnomAD exomes below 0.00001.
gnomAD v4.1: 1 of 1,608,586 alleles (0.000062%); highest among the groups gnomAD compares: Non-Finnish European, 0.000085%; no homozygotes.

Submissions (5):

Labcorp Genetics (formerly Invitae), Labcorp
Classification: Uncertain significance for Ataxia-telangiectasia syndrome. Last evaluated: 2025-11-26. Review status: criteria provided, single submitter. Criteria: Invitae Variant Classification Sherloc (09022015). Collection method: clinical testing. Allele origin: germline.
Comment: This sequence change replaces isoleucine, which is neutral and non-polar, with threonine, which is neutral and polar, at codon 2865 of the ATM protein (p.Ile2865Thr). This variant is not present in population databases (gnomAD no frequency). This variant has not been reported in the literature in individuals affected with ATM-related conditions. ClinVar contains an entry for this variant (Variation ID: 127461). Invitae Evidence Modeling of protein sequence and biophysical properties (such as structural, functional, and spatial information, amino acid conservation, physicochemical variation, residue mobility, and thermodynamic stability) indicates that this missense variant is expected to disrupt ATM protein function with a positive predictive value of 95%. In summary, the available evidence is currently insufficient to determine the role of this variant in disease. Therefore, it has been classified as a Variant of Uncertain Significance.

Ambry Genetics
Classification: Uncertain significance for Hereditary cancer-predisposing syndrome. Last evaluated: 2024-07-04. Review status: criteria provided, single submitter. Criteria: Ambry Variant Classification Scheme 2023. Collection method: clinical testing. Allele origin: germline.
Comment: The p.I2865T variant (also known as c.8594T>C), located in coding exon 58 of the ATM gene, results from a T to C substitution at nucleotide position 8594. The isoleucine at codon 2865 is replaced by threonine, an amino acid with similar properties. This amino acid position is highly conserved in available vertebrate species. In addition, this alteration is predicted to be deleterious by in silico analysis. Based on the available evidence, the clinical significance of this variant remains unclear.

Department of Pathology and Laboratory Medicine, Sinai Health System
Classification: Uncertain significance for Familial cancer of breast. Last evaluated: 2023-11-08. Review status: criteria provided, single submitter. Criteria: ACMG Guidelines, 2015. Collection method: clinical testing. Allele origin: germline. Affected: yes.

Color Diagnostics, LLC DBA Color Health
Classification: Uncertain significance for Hereditary cancer-predisposing syndrome. Last evaluated: 2023-05-11. Review status: criteria provided, single submitter. Criteria: ACMG Guidelines, 2015. Collection method: clinical testing. Allele origin: germline.
Comment: This missense variant replaces isoleucine with threonine at codon 2865 of the ATM protein. Computational prediction suggests that this variant may have deleterious impact on protein structure and function (internally defined REVEL score threshold >= 0.7, PMID: 27666373). To our knowledge, functional studies have not been reported for this variant. This variant has not been reported in individuals affected with ATM-related disorders in the literature. This variant has not been identified in the general population by the Genome Aggregation Database (gnomAD). The available evidence is insufficient to determine the role of this variant in disease conclusively. Therefore, this variant is classified as a Variant of Uncertain Significance.

GeneDx
Classification: Uncertain significance. Last evaluated: 2014-01-03. Review status: criteria provided, single submitter. Criteria: GeneDx Variant Classification (06012015). Collection method: clinical testing. Allele origin: germline. Affected: yes.
Comment: This variant is denoted ATM c.8594T>C at the cDNA level, p.Ile2865Thr (I2865T) at the protein level, and results in the change of an Isoleucine to a Threonine (ATA>ACA). This variant has not, to our knowledge, been published in the literature as pathogenic or benign. ATM Ile2865Thr was not observed in approximately 6,500 individuals of European and African American ancestry in the NHLBI Exome Sequencing Project, indicating it is not a common benign variant in these populations. This variant is a non-conservative substitution in which a neutral non-polar amino acid is replaced with a neutral polar one, altering a position that is well conserved throughout evolution and is located in the PI3K/PI4K domain. Multiple in silico algorithms predict that this variant may be damaging to protein structure and function. Based on the currently available information, we consider ATM Ile2865Thr to be a variant of uncertain significance.